The following is an entry in ClinVar:

ClinVar aggregate classification (germline): Uncertain significance (1 of 4 stars; one submission).

Submission:

Labcorp Genetics (formerly Invitae), Labcorp
Classification: Uncertain significance. Last evaluated: 2024-03-22. Review status: criteria provided, single submitter. Criteria: Invitae Variant Classification Sherloc (09022015). Collection method: clinical testing. Allele origin: germline.
Comment: This sequence change replaces lysine, which is basic and polar, with glutamine, which is neutral and polar, at codon 565 of the EMC1 protein (p.Lys565Gln). This variant is not present in population databases (gnomAD no frequency). This variant has not been reported in the literature in individuals affected with EMC1-related conditions. Advanced modeling of protein sequence and biophysical properties (such as structural, functional, and spatial information, amino acid conservation, physicochemical variation, residue mobility, and thermodynamic stability) performed at Invitae indicates that this missense variant is not expected to disrupt EMC1 protein function with a negative predictive value of 80%. In summary, the available evidence is currently insufficient to determine the role of this variant in disease. Therefore, it has been classified as a Variant of Uncertain Significance.

NM_015047.3(EMC1):c.1693A>C (p.Lys565Gln)

Genes: EMC1 (ER membrane protein complex subunit 1; minus strand), EMC1-AS1 (EMC1 antisense RNA 1; plus strand). Cytogenetic location: 1p36.13.
Variant type: single nucleotide variant.
Coding change: c.1693A>C on transcript NM_015047.3 (MANE Select); coding-DNA position 1693, A replaced by C.
Protein change: p.Lys565Gln; replaces lysine 565 with glutamine.
Molecular consequence: missense variant.
Genome position (GRCh38, 1-based): chr1:19,232,713, T>G on the plus strand (A>C on the coding strand, the complement: EMC1 is on the minus strand). VCF-style: chr1-19232713-T-G. GRCh37 (hg19) VCF-style: chr1-19559207-T-G.
Other names: c.1690A>C, p.Lys564Gln (NM_001271427.2, NM_001271428.2); c.1627A>C, p.Lys543Gln (NM_001271429.2); c.1702A>C, p.Lys568Gln (NM_001375820.1); c.1699A>C, p.Lys567Gln (NM_001375821.1); short protein forms K567Q, K564Q, K565Q, K543Q, K568Q.
Identifiers: ClinVar variation 3647293 (VCV003647293.2).